The following is an entry in ClinVar:

ClinVar aggregate classification (germline): Pathogenic. Review status: reviewed by expert panel (3 of 4 stars). 5 submissions from 5 submitters: Pathogenic (1). 4 of the submissions do not count toward it. Last evaluated 2016-09-08.

Conditions:
Hereditary cancer-predisposing syndrome. Also called: Hereditary Cancer Syndrome; Hereditary neoplastic syndrome; Neoplastic Syndromes, Hereditary; Tumor predisposition. Identifiers: Orphanet 140162, MedGen C0027672, MeSH D009386, MONDO:0015356.
Hereditary breast ovarian cancer syndrome. Also called: BRCA1- and BRCA2-Associated Hereditary Breast and Ovarian Cancer; Hereditary breast and ovarian cancer syndrome; Hereditary breast and/or ovarian cancer syndrome; Hereditary breast and ovarian cancer; Hereditary breast and ovarian cancer syndrome (HBOC); Breast and ovarian cancer. Identifiers: Orphanet 145, MedGen C0677776, MeSH D061325, MONDO:0003582. Disease mechanism: loss of function.
Breast-ovarian cancer, familial, susceptibility to, 2 (BROVCA2). Also called: BRCA2 Hereditary Breast and Ovarian Cancer. Identifiers: Orphanet 145, MedGen C2675520, MONDO:0012933, OMIM 612555. Disease mechanism: loss of function.

Submissions (5):

Evidence-based Network for the Interpretation of Germline Mutant Alleles (ENIGMA)
Classification: Pathogenic for Breast-ovarian cancer, familial, susceptibility to, 2. Last evaluated: 2016-09-08. Review status: reviewed by expert panel. Criteria: ENIGMA BRCA1/2 Classification Criteria (2015). Collection method: curation. Allele origin: germline.
Comment: Variant allele predicted to encode a truncated non-functional protein.

Genetic Services Laboratory, University of Chicago
Classification: Pathogenic. Last evaluated: 2025-03-03. Review status: criteria provided, single submitter. Criteria: ACMG Guidelines, 2015. Collection method: clinical testing. Allele origin: germline. Not counted in ClinVar's aggregate classification.
Comment: The c.1825C>T variant: Results in the creation of a premature stop codon at amino acid position 609, p.Gln609*. Predicted to result in an abnormal transcript, which may be degraded, or may lead to the production of a truncated BRCA2 protein with potentially abnormal function. Has been previously described in individuals with BRCA2-related cancers (PMID: 29383094, 31214711). Has not been described in population databases such as gnomAD v4. ClinVar contains an entry for this variant (Variation ID: 51209). Collectively this evidence indicates that this variant is pathogenic; however functional studies have not been performed to prove this conclusively.

Labcorp Genetics (formerly Invitae), Labcorp
Classification: Pathogenic for Hereditary breast ovarian cancer syndrome. Last evaluated: 2022-11-22. Review status: criteria provided, single submitter. Criteria: Invitae Variant Classification Sherloc (09022015). Collection method: clinical testing. Allele origin: germline. Not counted in ClinVar's aggregate classification.
Comment: This sequence change creates a premature translational stop signal (p.Gln609*) in the BRCA2 gene. It is expected to result in an absent or disrupted protein product. Loss-of-function variants in BRCA2 are known to be pathogenic (PMID: 20104584). For these reasons, this variant has been classified as Pathogenic. ClinVar contains an entry for this variant (Variation ID: 51209). This premature translational stop signal has been observed in individual(s) with breast and/or ovarian cancer (PMID: 29383094). This variant is not present in population databases (gnomAD no frequency).

Ambry Genetics
Classification: Pathogenic for Hereditary cancer-predisposing syndrome. Last evaluated: 2022-03-31. Review status: criteria provided, single submitter. Criteria: Ambry Variant Classification Scheme 2023. Collection method: clinical testing. Allele origin: germline. Not counted in ClinVar's aggregate classification.
Comment: The p.Q609* pathogenic mutation (also known as c.1825C>T), located in coding exon 9 of the BRCA2 gene, results from a C to T substitution at nucleotide position 1825. This changes the amino acid from a glutamine to a stop codon within coding exon 9. This alteration has been reported with a carrier frequency of 0.00013 in 7636 unselected prostate cancer patients and 0.00 in 12366 male controls of Japanese ancestry (Momozawa Y et al. J Natl Cancer Inst, 2020 04;112:369-376). This variant is considered to be rare based on population cohorts in the Genome Aggregation Database (gnomAD). In addition to the clinical data presented in the literature, this alteration is expected to result in loss of function by premature protein truncation or nonsense-mediated mRNA decay. As such, this alteration is interpreted as a disease-causing mutation.

Breast Cancer Information Core (BIC) (BRCA2)
Classification: Pathogenic for Breast-ovarian cancer, familial 2. Last evaluated: 2003-12-23. Review status: no assertion criteria provided. Collection method: clinical testing. Allele origin: germline. Affected: yes. Observed: 1 variant allele. Not counted in ClinVar's aggregate classification.

Literature cited by the submitters: PubMed 20104584 (cited by Labcorp Genetics (formerly Invitae), Labcorp); PubMed 29383094 (cited by Labcorp Genetics (formerly Invitae), Labcorp); PubMed 31214711 (cited by Ambry Genetics).

NM_000059.4(BRCA2):c.1825C>T (p.Gln609Ter)

Gene: BRCA2 (BRCA2 DNA repair associated; plus strand). Cytogenetic location: 13q13.1.
Variant type: single nucleotide variant.
Coding change: c.1825C>T on transcript NM_000059.4 (MANE Select); coding-DNA position 1825, C replaced by T.
Protein change: p.Gln609Ter; replaces glutamine 609 with a stop codon.
Molecular consequence: nonsense.
Genome position (GRCh38, 1-based): chr13:32,333,303, C>T. VCF-style: chr13-32333303-C-T. GRCh37 (hg19) VCF-style: chr13-32907440-C-T.
Other names: short protein forms Q609*.
Identifiers: ClinVar variation 51209 (VCV000051209.15), dbSNP rs80358472, ClinGen allele CA013487.